The following is an entry in ClinVar:

NM_000051.4(ATM):c.1776C>A (p.Ser592Arg)

Gene: ATM (ATM serine/threonine kinase; plus strand). Cytogenetic location: 11q22.3.
Variant type: single nucleotide variant.
Coding change: c.1776C>A on transcript NM_000051.4 (MANE Select); coding-DNA position 1776, C replaced by A.
Protein change: p.Ser592Arg; replaces serine 592 with arginine.
Molecular consequence: missense variant.
Genome position (GRCh38, 1-based): chr11:108,252,005, C>A. VCF-style: chr11-108252005-C-A. GRCh37 (hg19) VCF-style: chr11-108122732-C-A.
Other names: c.1776C>A, p.Ser592Arg (NM_001351834.2); short protein forms S592R.
Identifiers: ClinVar variation 482586 (VCV000482586.5), dbSNP rs1057524304, ClinGen allele CA382535483.

ClinVar aggregate classification (germline): Uncertain significance (1 of 4 stars; one submission).

Conditions:
Hereditary cancer-predisposing syndrome. Also called: Neoplastic Syndromes, Hereditary; Tumor predisposition; Hereditary Cancer Syndrome; Hereditary neoplastic syndrome. Identifiers: Orphanet 140162, MedGen C0027672, MeSH D009386, MONDO:0015356.

Submission:

Ambry Genetics
Classification: Uncertain significance for Hereditary cancer-predisposing syndrome. Last evaluated: 2022-10-17. Review status: criteria provided, single submitter. Criteria: Ambry Variant Classification Scheme 2023. Collection method: clinical testing. Allele origin: germline.
Comment: The p.S592R variant (also known as c.1776C>A), located in coding exon 10 of the ATM gene, results from a C to A substitution at nucleotide position 1776. The serine at codon 592 is replaced by arginine, an amino acid with dissimilar properties. This variant was not reported in population based cohorts in the following databases: Database of Single Nucleotide Polymorphisms (dbSNP), NHLBI Exome Sequencing Project (ESP), and 1000 Genomes Project. In the ESP, this variant was not observed in 6499 samples (12998 alleles) with coverage at this position. To date, this alteration has been detected with an allele frequency of approximately 0.001% (greater than 125000 alleles tested) in our clinical cohort. This amino acid position is not well conserved in available vertebrate species. In addition, this alteration is predicted to be tolerated by in silico analysis. Since supporting evidence is limited at this time, the clinical significance of this alteration remains unclear.